The following is an entry in ClinVar:

NM_001080432.3(FTO):c.185A>G (p.His62Arg)

Gene: FTO (FTO alpha-ketoglutarate dependent dioxygenase; plus strand). Cytogenetic location: 16q12.2.
Variant type: single nucleotide variant.
Coding change: c.185A>G on transcript NM_001080432.3 (MANE Select); coding-DNA position 185, A replaced by G.
Protein change: p.His62Arg; replaces histidine 62 with arginine.
Molecular consequence: missense variant.
Genome position (GRCh38, 1-based): chr16:53,825,925, A>G. VCF-style: chr16-53825925-A-G. GRCh37 (hg19) VCF-style: chr16-53859837-A-G.
Other names: c.185A>G, p.His62Arg (NM_001363891.2, NM_001363894.2, NM_001363896.2 and 6 more transcripts); c.107A>G, p.His36Arg (NM_001363897.2); c.-329A>G (NM_001363905.2); short protein forms H36R, H62R.
Identifiers: ClinVar variation 1355300 (VCV001355300.7), dbSNP rs550932456, ClinGen allele CA8058327.
Genomic context (GRCh38, chr16:53,825,925, plus strand): 5'-GGCAGCTGAAATATCCTAAACTAATTCTCCGAGAAGCCAGCAGTGTATCTGAGGAGCTCC[A>G]TAAAGAGGTTCAAGAAGCCTTTCTCACACTGCACAAGCATGGCTGCTTATTTCGGGACCT-3'
Protein context (NP_001073901.1, residues 52-72): REASSVSEEL[His62Arg]KEVQEAFLTL

ClinVar aggregate classification (germline): Uncertain significance. Review status: criteria provided, multiple submitters, no conflicts (2 of 4 stars). 3 submissions from 3 submitters: Uncertain significance (2). 1 of the submissions does not count toward it. Last evaluated 2023-12-19.

Conditions:
Meniere disease. Also called: Ménière's disease. Identifiers: MedGen C0025281, MONDO:0007972, OMIM 156000.
Lethal polymalformative syndrome, Boissel type. Also called: GROWTH RETARDATION, DEVELOPMENTAL DELAY, AND FACIAL DYSMORPHISM. Identifiers: Orphanet 210144, MedGen C2752001, MONDO:0013050, OMIM 612938.

Allele frequency attached by ClinVar (database versions not stated): gnomAD 0.00008; TOPMed 0.00013; 1000 Genomes Project 30x 0.00016; ExAC 0.00017; gnomAD exomes 0.00018; 1000 Genomes Project 0.00020.
gnomAD v4.1: 68 of 1,614,144 alleles (0.0042%); highest among the groups gnomAD compares: Admixed American, 0.09%; no homozygotes.

Submissions (3):

Labcorp Genetics (formerly Invitae), Labcorp
Classification: Uncertain significance. Last evaluated: 2023-12-19. Review status: criteria provided, single submitter. Criteria: Invitae Variant Classification Sherloc (09022015). Collection method: clinical testing. Allele origin: germline.
Comment: This sequence change replaces histidine, which is basic and polar, with arginine, which is basic and polar, at codon 62 of the FTO protein (p.His62Arg). This variant is present in population databases (rs550932456, gnomAD 0.1%). This variant has not been reported in the literature in individuals affected with FTO-related conditions. ClinVar contains an entry for this variant (Variation ID: 1355300). Advanced modeling of protein sequence and biophysical properties (such as structural, functional, and spatial information, amino acid conservation, physicochemical variation, residue mobility, and thermodynamic stability) has been performed at Invitae for this missense variant, however the output from this modeling did not meet the statistical confidence thresholds required to predict the impact of this variant on FTO protein function. In summary, the available evidence is currently insufficient to determine the role of this variant in disease. Therefore, it has been classified as a Variant of Uncertain Significance.

Revvity Omics, Revvity
Classification: Uncertain significance for Lethal polymalformative syndrome, Boissel type. Last evaluated: 2021-10-12. Review status: criteria provided, single submitter. Criteria: ACMG Guidelines, 2015. Collection method: clinical testing. Allele origin: germline.

Center for Computational Biology & Bioinformatics, University of California, San Diego
Classification: Uncertain significance for Meniere disease. Last evaluated: 2024-06-03. Review status: no assertion criteria provided. Collection method: research. Allele origin: germline. Affected: yes. Not counted in ClinVar's aggregate classification.